The following is an entry in ClinVar:

NM_001083614.2(EARS2):c.874G>A (p.Val292Ile)

Gene: EARS2 (glutamyl-tRNA synthetase 2, mitochondrial; minus strand). Cytogenetic location: 16p12.2.
Variant type: single nucleotide variant.
Coding change: c.874G>A on transcript NM_001083614.2 (MANE Select); coding-DNA position 874, G replaced by A.
Protein change: p.Val292Ile; replaces valine 292 with isoleucine.
Molecular consequence: missense variant. On other transcripts: non-coding transcript variant (1).
Genome position (GRCh38, 1-based): chr16:23,534,972, C>T on the plus strand (G>A on the coding strand, the complement: EARS2 is on the minus strand). VCF-style: chr16-23534972-C-T. GRCh37 (hg19) VCF-style: chr16-23546293-C-T.
Other names: c.874G>A, p.Val292Ile (NM_001308211.1); short protein forms V292I.
Identifiers: ClinVar variation 318551 (VCV000318551.18), dbSNP rs199575087, ClinGen allele CA7962487.
Genomic context (GRCh38, chr16:23,534,972, plus strand): 5'-TGATGATGTCCAACAAGGAATCGGGCAGGAAGCCATCAGCAGCAAAGTGCTCCAGGAAAA[C>T]GTCCCCTTGCCTCTTGGAGAGCTTGCTGCCATCCCTGTTGAGGAGCAGGGGCAGGTGGGC-3'
Protein context (NP_001077083.1, residues 282-302): GSKLSKRQGD[Val292Ile]FLEHFAADGF

ClinVar aggregate classification (germline): Conflicting classifications of pathogenicity. Review status: criteria provided, conflicting classifications (1 of 4 stars). 6 submissions from 6 submitters: Uncertain significance (1); Benign (1); Likely benign (4). Last evaluated 2026-04-01.

Conditions:
Inborn genetic diseases. Identifiers: MedGen C0950123, MeSH D030342.
Mitochondrial disease. Also called: Mitochondrial disorders; Mitochondrial disorder. Identifiers: Orphanet 68380, MedGen C0751651, MeSH D028361, MONDO:0044970.
Leukoencephalopathy-thalamus and brainstem anomalies-high lactate syndrome. Also called: LEUKOENCEPHALOPATHY WITH THALAMUS AND BRAINSTEM INVOLVEMENT AND HIGH LACTATE; Combined oxidative phosphorylation deficiency 12. Identifiers: Orphanet 314051, MedGen C4706421, MONDO:0013971, OMIM 614924.

Allele frequency attached by ClinVar (database versions not stated): ExAC 0.00023; TOPMed 0.00024; ESP Exome Variant Server 0.00055.
gnomAD v4.1: 318 of 1,611,634 alleles (0.02%); highest among the groups gnomAD compares: Middle Eastern, 0.034%; 3 homozygotes.

Submissions (6):

CeGaT Center for Human Genetics Tuebingen
Classification: Likely benign. Last evaluated: 2026-04-01. Review status: criteria provided, single submitter. Criteria: CeGaT Center For Human Genetics Tuebingen Variant Classification Criteria Version 2. Collection method: clinical testing. Allele origin: germline. Affected: yes. Observed: 1 variant allele.
Comment: EARS2: BS2

Labcorp Genetics (formerly Invitae), Labcorp
Classification: Benign. Last evaluated: 2026-02-01. Review status: criteria provided, single submitter. Criteria: Invitae Variant Classification Sherloc (09022015). Collection method: clinical testing. Allele origin: germline.

Department of Pathology and Laboratory Medicine, Sinai Health System
Classification: Likely benign for mitochondrial disease. Last evaluated: 2022-03-28. Review status: criteria provided, single submitter. Criteria: ACMG Guidelines, 2015. Collection method: research. Allele origin: germline.

Ambry Genetics
Classification: Likely benign for Inborn genetic diseases. Last evaluated: 2022-01-04. Review status: criteria provided, single submitter. Criteria: Ambry Variant Classification Scheme 2023. Collection method: clinical testing. Allele origin: germline.

GeneDx
Classification: Likely benign. Last evaluated: 2021-03-24. Review status: criteria provided, single submitter. Criteria: GeneDx Variant Classification Process June 2021. Collection method: clinical testing. Allele origin: germline. Affected: yes.

Illumina Laboratory Services, Illumina
Classification: Uncertain significance for Leukoencephalopathy-thalamus and brainstem anomalies-high lactate syndrome. Last evaluated: 2018-01-13. Review status: criteria provided, single submitter. Criteria: ICSL Variant Classification Criteria 13 December 2019. Collection method: clinical testing. Allele origin: germline.